The following is an entry in ClinVar:

NM_000090.4(COL3A1):c.3104G>T (p.Gly1035Val)

Gene: COL3A1 (collagen type III alpha 1 chain; plus strand). Cytogenetic location: 2q32.2.
Variant type: single nucleotide variant.
Coding change: c.3104G>T on transcript NM_000090.4 (MANE Select); coding-DNA position 3104, G replaced by T.
Protein change: p.Gly1035Val; replaces glycine 1035 with valine.
Molecular consequence: missense variant.
Genome position (GRCh38, 1-based): chr2:189,006,355, G>T. VCF-style: chr2-189006355-G-T. GRCh37 (hg19) VCF-style: chr2-189871081-G-T.
Identifiers: ClinVar variation 101294 (VCV000101294.4), dbSNP rs587779582, ClinGen allele CA006109.
Genomic context (GRCh38, chr2:189,006,355, plus strand): 5'-CAAAATAAGTGATCATCATGTTTATTTTGTACCTATGAATTTGTTCACAGGGTGATCGTG[G>T]TGAAAATGGCTCTCCTGGTGCCCCTGGCGCTCCTGGTCATCCAGGCCCACCTGGTCCTGT-3'
Protein context (NP_000081.2, residues 1025-1045): DGSPGGKGDR[Gly1035Val]ENGSPGAPGA

ClinVar aggregate classification (germline): Likely pathogenic. Review status: criteria provided, single submitter (1 of 4 stars). 2 submissions from 2 submitters: Likely pathogenic (1). 1 of the submissions does not count toward it. Last evaluated 2024-06-18.

Conditions:
Ehlers-Danlos syndrome, type 4 (EDSVASC). Also called: Ehlers-Danlos syndrome vascular type; Ehlers Danlos syndrome, ecchymotic type; Ehlers Danlos syndrome, arterial type; Ehlers Danlos syndrome, Sack-Barabas type; Ehlers-Danlos Syndrome Type IV. Identifiers: Orphanet 286, MedGen C0268338, MONDO:0017314, OMIM 130050.

Submissions (2):

Petrovsky National Research Centre of Surgery, The Federal Agency for Scientific Organizations
Classification: Likely pathogenic for Ehlers-Danlos syndrome, type 4. Last evaluated: 2024-06-18. Review status: criteria provided, single submitter. Criteria: ACMG Guidelines, 2015. Collection method: clinical testing. Allele origin: germline. Inheritance: Autosomal dominant inheritance. Affected: yes. Observed: 1 heterozygote.
Comment: This variant is absent in The Genome Aggregation Database (gnomAD) v2.1.1 and v4.1.0 (Date of access with 17-06-2024). Clinvar contains an entry for this variant (Variation ID: 101294). This variant has been reported in 1 study cohort (PMID: 24922459). Most in silico predictors show pathogenic result of the protein change. Alternative missense changes c.3103G>A (p.Gly1035Ser) and c.3103G>T p.Gly1035Cys) with same predicted impact have been observed by other researchers. In accordance with ACMG(2015) criteria this variant is classified as Likely Pathogenic with following criteria selected: PM2, PM1, PM5_Supporting, PP2, PP3, PP5.

Collagen Diagnostic Laboratory, University of Washington
Classification: Pathogenic for Ehlers-Danlos syndrome, type 4. Review status: no assertion criteria provided. Collection method: clinical testing. Allele origin: germline. Affected: yes. Not counted in ClinVar's aggregate classification.